The following is an entry in ClinVar:

ClinVar aggregate classification (germline): Likely benign (1 of 4 stars; one submission).

Conditions:
CC2D2A-related disorder. Also called: CC2D2A-related condition; CC2D2A-related disorders. Identifiers: MedGen CN239313.

gnomAD v4.1: 10 of 1,537,072 alleles (0.00065%); highest among the groups gnomAD compares: Admixed American, 0.0059%; no homozygotes.

Submission:

PreventionGenetics, part of Exact Sciences
Classification: Likely benign for CC2D2A-related condition. Last evaluated: 2025-11-18. Review status: criteria provided, single submitter. Criteria: ACMG Guidelines, 2015. Collection method: clinical testing. Allele origin: germline.
Comment: This variant is classified as likely benign based on ACMG/AMP sequence variant interpretation guidelines (Richards et al. 2015 PMID: 25741868, with internal and published modifications).

NM_001378615.1(CC2D2A):c.123+500C>T

Genes: CC2D2A (coiled-coil and C2 domain containing 2A; plus strand), FBXL5 (F-box and leucine rich repeat protein 5; minus strand). Cytogenetic location: 4p15.32.
Variant type: single nucleotide variant.
Coding change: c.123+500C>T on transcript NM_001378615.1 (MANE Select); 500 bases into the intron after coding-DNA position 123, C replaced by T.
Molecular consequence: intron variant. On other transcripts: 5 prime UTR variant (1), synonymous variant (1).
Genome position (GRCh38, 1-based): chr4:15,479,306, C>T. VCF-style: chr4-15479306-C-T. GRCh37 (hg19) VCF-style: chr4-15480930-C-T.
Other names: c.-47C>T (NM_001378617.1); c.207C>T, p.Pro69= (NM_020785.2); c.123+500C>T (NM_001080522.2, NM_001164720.3).
Identifiers: ClinVar variation 4988227 (VCV004988227.1).
Genomic context (GRCh38, chr4:15,479,306, plus strand): 5'-CTGCTGGCAGATCCTCCCCCACCTCTCCGCAGGAGTTCCCCTCCTAGGCTGGGAGCATCC[C>T]GTGCAGGGTAAATCTTTTCAAGGTAAGTCCTTGGTAAGAAGTTGTCCTCTGAGAAGGGAG-3'